The following is an entry in ClinVar:

NM_005475.3(SH2B3):c.1236+4TGGGG[3]

Gene: SH2B3 (SH2B adaptor protein 3; plus strand). Cytogenetic location: 12q24.12.
Variant type: Microsatellite.
Coding change: c.1236+4TGGGG[3] on transcript NM_005475.3 (MANE Select); three copies in a row of the 5-base unit TGGGG starting at c.1236+4; the reference has five copies in a row; two copies, 10 bases deleted.
Molecular consequence: intron variant.
Genome position (GRCh38, 1-based): chr12:111,447,563-111,447,572, TGGGGTGGGG deleted; deleting any 10 consecutive bases within chr12:111,447,548-111,447,572 gives the same sequence; the position shown is the placement nearest the transcript's 3' end. VCF-style (leftmost placement, unchanged base first): chr12-111447547-ATGGGGTGGGG-A. GRCh37 (hg19) VCF-style: chr12-111885351-ATGGGGTGGGG-A.
Other names: c.630+4TGGGG[3] (NM_001291424.1).
Identifiers: ClinVar variation 4280834 (VCV004280834.7).

ClinVar aggregate classification (germline): Likely benign (1 of 4 stars; one submission).

Submission:

CeGaT Center for Human Genetics Tuebingen
Classification: Likely benign. Last evaluated: 2026-09-01. Review status: criteria provided, single submitter. Criteria: CeGaT Center For Human Genetics Tuebingen Variant Classification Criteria Version 2. Collection method: clinical testing. Allele origin: germline. Affected: yes. Observed: 2 variant alleles.
Comment: SH2B3: BS2